The following is an entry in ClinVar:

NM_001371928.1(AHDC1):c.1303C>A (p.Pro435Thr)

Gene: AHDC1 (AT-hook DNA binding motif containing 1; minus strand). Cytogenetic location: 1p36.11.
Variant type: single nucleotide variant.
Coding change: c.1303C>A on transcript NM_001371928.1 (MANE Select); coding-DNA position 1303, C replaced by A.
Protein change: p.Pro435Thr; replaces proline 435 with threonine.
Molecular consequence: missense variant.
Genome position (GRCh38, 1-based): chr1:27,550,813, G>T on the plus strand (C>A on the coding strand, the complement: AHDC1 is on the minus strand). VCF-style: chr1-27550813-G-T. GRCh37 (hg19) VCF-style: chr1-27877324-G-T.
Other names: c.1303C>A, p.Pro435Thr (NM_001029882.3); short protein forms P435T.
Identifiers: ClinVar variation 2829644 (VCV002829644.3), dbSNP rs2522024074, ClinGen allele CA339234612.
Genomic context (GRCh38, chr1:27,550,813, plus strand): 5'-ATTCCGGCTTCAACTCTGGGACTGAGACCGGGCCTGGGCCTGGCAGGGCAGGGGGTGGAG[G>T]AGGCGGTGGTGGTGGGGGTTCGGCCAGGGCAGCCACCAGCCCCGTGGGCATAGGCAGGGG-3'
Protein context (NP_001358857.1, residues 425-445): ALAEPPPPPP[Pro435Thr]PPPALPGPGP

ClinVar aggregate classification (germline): Uncertain significance (1 of 4 stars; one submission).

Submission:

Labcorp Genetics (formerly Invitae), Labcorp
Classification: Uncertain significance. Last evaluated: 2023-01-24. Review status: criteria provided, single submitter. Criteria: Invitae Variant Classification Sherloc (09022015). Collection method: clinical testing. Allele origin: germline.
Comment: In summary, the available evidence is currently insufficient to determine the role of this variant in disease. Therefore, it has been classified as a Variant of Uncertain Significance. Algorithms developed to predict the effect of missense changes on protein structure and function are either unavailable or do not agree on the potential impact of this missense change (SIFT: "Tolerated"; PolyPhen-2: "Possibly Damaging"; Align-GVGD: "Class C0"). This variant has not been reported in the literature in individuals affected with AHDC1-related conditions. This variant is not present in population databases (gnomAD no frequency). This sequence change replaces proline, which is neutral and non-polar, with threonine, which is neutral and polar, at codon 435 of the AHDC1 protein (p.Pro435Thr).